The following is an entry in ClinVar:

NM_003001.5(SDHC):c.214C>T (p.Arg72Cys)

Gene: SDHC (succinate dehydrogenase complex subunit C; plus strand). Cytogenetic location: 1q23.3.
Variant type: single nucleotide variant.
Coding change: c.214C>T on transcript NM_003001.5 (MANE Select); coding-DNA position 214, C replaced by T.
Protein change: p.Arg72Cys; replaces arginine 72 with cysteine.
Molecular consequence: missense variant.
Genome position (GRCh38, 1-based): chr1:161,340,628, C>T. VCF-style: chr1-161340628-C-T. GRCh37 (hg19) VCF-style: chr1-161310418-C-T.
Other names: c.214C>T, p.Arg72Cys (NM_001035511.3); c.112C>T, p.Arg38Cys (NM_001035512.3, NM_001278172.3, NM_001407118.1); c.55C>T, p.Arg19Cys (NM_001035513.3); c.334C>T, p.Arg112Cys (NM_001407115.1); c.157C>T, p.Arg53Cys (NM_001407116.1, NM_001407117.1, NM_001407121.1); c.103C>T, p.Arg35Cys (NM_001407119.1, NM_001407120.1); short protein forms R19C, R38C, R72C, R112C, R35C, R53C.
Identifiers: ClinVar variation 653952 (VCV000653952.33), dbSNP rs756676111, ClinGen allele CA046528.
Genomic context (GRCh38, chr1:161,340,628, plus strand): 5'-AATTGTCTTTGTGTGTTTCTTTACAGTTGGTCTCTTCCCATGGCGATGTCCATCTGCCAC[C>T]GTGGCACTGGTATTGCTTTGAGTGCAGGTATGTATATGTGTTTTTACACACACATATGTG-3'
Protein context (NP_002992.1, residues 62-82): SLPMAMSICH[Arg72Cys]GTGIALSAGV

ClinVar aggregate classification (germline): Pathogenic/Likely pathogenic. Review status: criteria provided, multiple submitters, no conflicts (2 of 4 stars). 11 submissions from 11 submitters: Pathogenic (5); Likely pathogenic (5). 1 of the submissions does not count toward it. Last evaluated 2026-08-06.

Conditions:
Hereditary pheochromocytoma and paraganglioma. Also called: Hereditary pheochromocytoma-paraganglioma; Hereditary Paraganglioma-Pheochromocytoma Syndromes; Hereditary paragangliomas and pheochromocytomas. Identifiers: Orphanet 29072, MedGen C4274332, MONDO:0017366.
SDHC-related disorder. Also called: SDHC-related condition.
Pheochromocytoma/paraganglioma syndrome 3. Also called: SDHC-Related Hereditary Paraganglioma-Pheochromocytoma Syndrome (Paragangliomas 3); GLOMUS TUMORS, FAMILIAL, 3; SDHC-Related Hereditary Paraganglioma-Pheochromocytoma Syndrome; Paragangliomas 3. Identifiers: Orphanet 29072, MedGen C1854336, MONDO:0011544, OMIM 605373.
Gastrointestinal stromal tumor. Also called: Gastrointestinal stromal tumor, somatic; Gastrointestinal stroma tumor. Identifiers: Orphanet 44890, MedGen C0238198, MeSH D046152, MONDO:0011719, OMIM 606764, HP:0100723.
Hereditary cancer-predisposing syndrome. Also called: Neoplastic Syndromes, Hereditary; Hereditary Cancer Syndrome; Hereditary neoplastic syndrome; Tumor predisposition. Identifiers: Orphanet 140162, MedGen C0027672, MeSH D009386, MONDO:0015356.
Carney-Stratakis syndrome. Also called: PARAGANGLIOMA AND GASTROINTESTINAL STROMAL TUMOR. Identifiers: Orphanet 97286, MedGen C1847319, MONDO:0011740, OMIM 606864.

Allele frequency attached by ClinVar (database versions not stated): ExAC 0.00001; gnomAD 0.00001; gnomAD exomes 0.00001.
gnomAD v4.1: 10 of 1,613,740 alleles (0.00062%); highest among the groups gnomAD compares: South Asian, 0.0033%; no homozygotes.

Submissions (11):

Ambry Genetics
Classification: Pathogenic for Hereditary cancer-predisposing syndrome. Last evaluated: 2026-08-06. Review status: criteria provided, single submitter. Criteria: Ambry Variant Classification Scheme 2023. Collection method: clinical testing. Allele origin: germline.
Comment: The p.R72C pathogenic mutation (also known as c.214C>T), located in coding exon 4 of the SDHC gene, results from a C to T substitution at nucleotide position 214. The arginine at codon 72 is replaced by cysteine, an amino acid with highly dissimilar properties. This mutation has been reported in multiple individuals with a paraganglioma (Schiavi F et al. JAMA, 2005 Oct;294:2057-63; Bayley JP et al. BMC Med Genet, 2006 Jan;7:1; Peczkowska M et al. Nat Clin Pract Endocrinol Metab, 2008 Feb;4:111-5; Burnichon N et al. J Clin Endocrinol Metab, 2009 Aug;94:2817-27; Hensen EF et al. Clin Genet, 2012 Mar;81:284-8). Three other variants at the same codon, p.R72G (c.214C>G), p.R72H (c.215G>A), and p.R72L (c.215G>T), have been detected in multiple individuals with a paraganglioma (Burnichon N et al. J Clin Endocrinol Metab, 2009 Aug;94:2817-27; Buffet A et al. Horm Metab Res, 2012 May;44:359-66; Else T et al. J. Clin. Endocrinol. Metab., 2014 Aug;99:E1482-6; Gupta S et al. Endocr Pathol, 2016 Sep;27:243-52; Ambry internal data). Based on internal structural analysis, R72C disrupts the catalytic function of succinate dehydrogenase, via impacts on quinone binding and/or reduction to quinol (Sun F et al. Cell, 2005 Jul;121:1043-57; Lemarie A et al. Mitochondrion, 2009 Jul;9:254-60; Kluckova K et al. Cell Death Dis, 2015 May;6:e1749). In functional studies, this variant resulted in reduced succinate ubiquinone reductase activity of mitochondrial complex II (Kluckova K et al. Cell Death Dis, 2015 May;6:e1749; Bajpai R et al. Nat Commun, 2020 03;11:1228). In addition, this alteration is predicted to be deleterious by in silico analysis. Based on the supporting evidence, this variant is interpreted as a disease-causing mutation.

Myriad Genetics, Inc.
Classification: Likely pathogenic for Hereditary pheochromocytoma and paraganglioma. Last evaluated: 2026-03-04. Review status: criteria provided, single submitter. Criteria: Myriad Autosomal Dominant, Autosomal Recessive and X-Linked Classification Criteria (2023). Collection method: clinical testing. Allele origin: unknown.
Comment: This variant is considered likely pathogenic. This variant has been reported in multiple individuals with clinical features of gene-specific disease [PMID: 19576851, 28552549, 31492822, 22517557, 16405730, 25791839]. This variant is expected to disrupt protein structure [Myriad internal data]. Functional studies indicate this variant impacts protein function [PMID: 25950479].

Labcorp Genetics (formerly Invitae), Labcorp
Classification: Pathogenic for Pheochromocytoma/paraganglioma syndrome 3; Gastrointestinal stromal tumor. Last evaluated: 2026-02-03. Review status: criteria provided, single submitter. Criteria: Invitae Variant Classification Sherloc (09022015). Collection method: clinical testing. Allele origin: germline.
Comment: This sequence change replaces arginine, which is basic and polar, with cysteine, which is neutral and slightly polar, at codon 72 of the SDHC protein (p.Arg72Cys). This variant is present in population databases (rs756676111, gnomAD 0.005%). This missense change has been observed in individuals with paraganglioma-pheochromocytoma syndromes (PMID: 16249420, 18212813, 19454582, 19906784, 21348866, 23666964, 27867439). ClinVar contains an entry for this variant (Variation ID: 653952). An algorithm developed to predict the effect of missense changes on protein structure and function (PolyPhen-2) suggests that this variant is likely to be disruptive. Experimental studies have shown that this missense change affects SDHC function (PMID: 17636259, 25950479). This variant disrupts the p.Arg72 amino acid residue in SDHC. Other variant(s) that disrupt this residue have been observed in individuals with SDHC-related conditions (PMID: 19454582, 24758179, 27262318), which suggests that this may be a clinically significant amino acid residue. For these reasons, this variant has been classified as Pathogenic.

KCCC/NGS Laboratory, Kuwait Cancer Control Center
Classification: Likely pathogenic for Pheochromocytoma/paraganglioma syndrome 3. Last evaluated: 2025-12-01. Review status: criteria provided, single submitter. Criteria: ACMG Guidelines, 2015. Collection method: clinical testing. Allele origin: germline. Inheritance: Autosomal dominant inheritance. Affected: no.

Blueprint Genetics
Classification: Pathogenic for SDHC-related disorders. Last evaluated: 2024-07-17. Review status: criteria provided, single submitter. Criteria: ACMG Guidelines, 2015. Collection method: clinical testing. Allele origin: germline. Affected: yes. Observed: 2 variant alleles.

Clinical Genetics Laboratory, Skane University Hospital Lund
Classification: Pathogenic. Last evaluated: 2022-12-20. Review status: criteria provided, single submitter. Criteria: ACMG Guidelines, 2015. Collection method: clinical testing. Allele origin: germline. Affected: yes.

Genetic Services Laboratory, University of Chicago
Classification: Likely pathogenic. Last evaluated: 2021-08-09. Review status: criteria provided, single submitter. Criteria: ACMG Guidelines, 2015. Collection method: clinical testing. Allele origin: germline. Affected: yes.
Comment: DNA sequence analysis of the SDHC gene demonstrated a sequence change, c.214C>T, in exon 4 that results in an amino acid change, p.Arg72Cys. The p.Arg72Cys change affects a highly conserved amino acid residue located in a domain of the SDHC protein that is known to be functional. The p.Arg72Cys substitution appears to be deleterious using several in-silico pathogenicity prediction tools (SIFT, PolyPhen2, Align GVGD, REVEL). This sequence change has been reported in multiple individuals with paragangliomas and/or pheochromocytomas (PMID: 16405730, 16249420, 23666964, 21348866, 27867439). Additionally, different pathogenic sequence changes affecting the same amino acid residue (p.Arg72His and p.Arg72Gly) have been described in individuals with SDHC-related disorders (PMID: 19454582, 24758179). This sequence change has been described in the gnomAD database with a frequency of 0.005% in the East Asian subpopulation (dbSNP rs756676111). Collectively these evidences suggest that, the c.214C>T change is likely pathogenic, however functional studies have not been performed to prove this conclusively.

Revvity Omics, Revvity
Classification: Likely pathogenic. Last evaluated: 2020-11-13. Review status: criteria provided, single submitter. Criteria: ACMG Guidelines, 2015. Collection method: clinical testing. Allele origin: germline.

GeneDx
Classification: Likely pathogenic. Last evaluated: 2019-06-20. Review status: criteria provided, single submitter. Criteria: GeneDx Variant Classification Process June 2021. Collection method: clinical testing. Allele origin: germline. Affected: yes.
Comment: Not observed at a significant frequency in large population cohorts (Lek et al., 2016); In silico analysis, which includes protein predictors and evolutionary conservation, supports a deleterious effect; This variant is associated with the following publications: (PMID: 17636259, 25950479, 19576851, 27867439, 19906784, 25394176, 19351833, 19454582, 21348866, 23666964, 25950813, 18212813, 16405730, 16249420)

Juno Genomics, Hangzhou Juno Genomics, Inc
Classification: Pathogenic for Gastrointestinal stromal tumor; Carney-Stratakis syndrome; Pheochromocytoma/paraganglioma syndrome 3. Review status: criteria provided, single submitter. Criteria: ACMG Guidelines, 2015. Collection method: clinical testing. Allele origin: germline. Affected: yes.
Comment: Absent from controls (or at extremely low frequency if recessive) in Genome Aggregation Database, Exome Sequencing Project, 1000 Genomes Project, or Exome Aggregation Consortium.;The prevalence of the variant in affected individuals is significantly increased compared to the prevalence in controls.;Patient's phenotype or family history is highly specific for a disease with a single genetic etiology.;Well-established in vitro or in vivo functional studies supportive of a damaging effect on the gene or gene product.

Institute for Clinical Genetics, University Hospital TU Dresden, University Hospital TU Dresden
Classification: Uncertain significance. Last evaluated: 2021-11-03. Review status: flagged submission. Criteria: ACMG Guidelines, 2015. Collection method: clinical testing. Allele origin: germline. Not counted in ClinVar's aggregate classification.
ClinVar note: Reason: Outlier claim with insufficient supporting evidence

Literature cited by the submitters: PubMed 15989954 (cited by Ambry Genetics); PubMed 16249420 (cited by Ambry Genetics and Labcorp Genetics (formerly Invitae), Labcorp); PubMed 16405730 (cited by Ambry Genetics and Myriad Genetics, Inc.); PubMed 18212813 (cited by Ambry Genetics and Labcorp Genetics (formerly Invitae), Labcorp); PubMed 19332149 (cited by Ambry Genetics); PubMed 19454582 (cited by Ambry Genetics and Labcorp Genetics (formerly Invitae), Labcorp); PubMed 21348866 (cited by Ambry Genetics and Labcorp Genetics (formerly Invitae), Labcorp); PubMed 23666964 (cited by Ambry Genetics and Labcorp Genetics (formerly Invitae), Labcorp); PubMed 25950479 (cited by 3 submitters); PubMed 25950813 (cited by Ambry Genetics); PubMed 27867439 (cited by Ambry Genetics and Labcorp Genetics (formerly Invitae), Labcorp); PubMed 32144272 (cited by Ambry Genetics); PubMed 19576851 (cited by Myriad Genetics, Inc.); PubMed 28552549 (cited by Myriad Genetics, Inc.); PubMed 31492822 (cited by Myriad Genetics, Inc.); PubMed 22517557 (cited by Myriad Genetics, Inc.); PubMed 25791839 (cited by Myriad Genetics, Inc.); PubMed 19906784 (cited by Labcorp Genetics (formerly Invitae), Labcorp); PubMed 17636259 (cited by Labcorp Genetics (formerly Invitae), Labcorp); PubMed 24758179 (cited by Labcorp Genetics (formerly Invitae), Labcorp); PubMed 27262318 (cited by Labcorp Genetics (formerly Invitae), Labcorp).